The following is an entry in ClinVar:

ClinVar aggregate classification (germline): Likely pathogenic (1 of 4 stars; one submission).

Conditions:
Immunodeficiency 106, susceptibility to viral infections (IMD106). Also called: IFNAR1 DEFICIENCY. Identifiers: MedGen C5677009, MONDO:0030970, OMIM 619935.

Submission:

Women's Health and Genetics/Laboratory Corporation of America, LabCorp
Classification: Likely pathogenic for Immunodeficiency 106, susceptibility to viral infections. Last evaluated: 2023-08-08. Review status: criteria provided, single submitter. Criteria: LabCorp Variant Classification Summary - May 2015. Collection method: clinical testing. Allele origin: germline.
Comment: Variant summary: IFNAR1 c.1356delT (p.Phe452LeufsX10) located in the penultimate exon 10, results in a premature termination codon slightly upstream of the predicted nonsense mediated decay (NMD) escape region (codon 464 or 465) and is predicted to cause a truncation of the encoded protein or absence of the protein due to nonsense mediated decay, which are commonly known mechanisms for disease. The variant was absent in 226300 control chromosomes. To our knowledge, no occurrence of c.1356delT in individuals affected with autosomal recessive Immunodeficiency 106, Susceptibility To Viral Infections and no experimental evidence demonstrating its impact on protein function have been reported. No submitters have cited clinical-significance assessments for this variant to ClinVar after 2014. Based on the evidence outlined above, the variant was classified as likely pathogenic.

NM_000629.3(IFNAR1):c.1356del (p.Phe452fs)

Gene: IFNAR1 (interferon alpha and beta receptor subunit 1; plus strand). Cytogenetic location: 21q22.11.
Variant type: Deletion.
Coding change: c.1356del on transcript NM_000629.3 (MANE Select); coding-DNA position 1356, one base deleted (T; older notation c.1356delT).
Protein change: p.Phe452fs; shifts the reading frame from phenylalanine 452.
Molecular consequence: frameshift variant. On other transcripts: intron variant (1).
Genome position (GRCh38, 1-based): chr21:33,353,699, T deleted; the last of 3 consecutive T bases (chr21:33,353,697-33,353,699); deleting any one gives the same sequence. VCF-style (leftmost placement, unchanged base first): chr21-33353696-GT-G. GRCh37 (hg19) VCF-style: chr21-34726002-GT-G.
Other names: c.1356del, p.Phe452fs (NM_001384498.1, NM_001384503.1); c.594del, p.Phe198fs (NM_001384500.1); c.1341del, p.Phe447fs (NM_001384501.1); c.894del, p.Phe298fs (NM_001384502.1); c.1149del, p.Phe383fs (NM_001384504.1); c.1294+791del (NM_001384499.1); short protein forms F198fs, F298fs, F383fs, F447fs, F452fs.
Identifiers: ClinVar variation 2581563 (VCV002581563.1), dbSNP rs2516887030, ClinGen allele CA2582342727.